The following is an entry in ClinVar:

ClinVar aggregate classification (germline): Uncertain significance. Review status: criteria provided, multiple submitters, no conflicts (2 of 4 stars). 2 submissions from 2 submitters: Uncertain significance (2). Last evaluated 2018-02-14.

Submissions (2):

GeneDx
Classification: Uncertain significance. Last evaluated: 2018-02-14. Review status: criteria provided, single submitter. Criteria: GeneDx Variant Classification (06012015). Collection method: clinical testing. Allele origin: germline. Affected: yes.
Comment: The A88V variant of uncertain significance in the LMNA gene has not beenpublished as pathogenic or been reported as benign to our knowledge. This variant is not observed in largepopulation cohorts (Lek et al., 2016; 1000 Genomes Consortium et al., 2015; Exome Variant Server). Thissubstitution occurs at a position that is conserved across species, and in silico analysis predicts this variant isprobably damaging to the protein structure/function. However, to our knowledge no studies have been performed todetermine the functional effect of the A88V variant. Furthermore, the A88V variant is a conservative amino acidsubstitution, which is not likely to impact secondary protein structure as these residues share similar properties.

Eurofins Ntd Llc (ga)
Classification: Uncertain significance. Last evaluated: 2016-07-28. Review status: criteria provided, single submitter. Criteria: EGL Classification Definitions 2015. Collection method: clinical testing. Allele origin: germline. Observed: 1 variant allele, 1 heterozygote.

NM_170707.4(LMNA):c.263C>T (p.Ala88Val)

Gene: LMNA (lamin A/C; plus strand). Cytogenetic location: 1q22.
Variant type: single nucleotide variant.
Coding change: c.263C>T on transcript NM_170707.4 (MANE Select); coding-DNA position 263, C replaced by T.
Protein change: p.Ala88Val; replaces alanine 88 with valine.
Molecular consequence: missense variant.
Genome position (GRCh38, 1-based): chr1:156,115,181, C>T. VCF-style: chr1-156115181-C-T. GRCh37 (hg19) VCF-style: chr1-156084972-C-T.
Other names: c.263C>T, p.Ala88Val (NM_001282625.2, NM_001282626.2, NM_005572.4 and 1 more transcripts); short protein forms A88V.
Identifiers: ClinVar variation 289000 (VCV000289000.6), dbSNP rs869025455, ClinGen allele CA10606294.